The following is an entry in ClinVar:

NM_002528.7(NTHL1):c.32G>A (p.Arg11Gln)

Gene: NTHL1 (nth like DNA glycosylase 1; minus strand). Cytogenetic location: 16p13.3.
Variant type: single nucleotide variant.
Coding change: c.32G>A on transcript NM_002528.7 (MANE Select); coding-DNA position 32, G replaced by A.
Protein change: p.Arg11Gln; replaces arginine 11 with glutamine.
Molecular consequence: missense variant. On other transcripts: 5 prime UTR variant (1).
Genome position (GRCh38, 1-based): chr16:2,047,792, C>T on the plus strand (G>A on the coding strand, the complement: NTHL1 is on the minus strand). VCF-style: chr16-2047792-C-T. GRCh37 (hg19) VCF-style: chr16-2097793-C-T.
Other names: c.32G>A, p.Arg11Gln (NM_001318193.2, LRG_1366t1); c.-147G>A (NM_001318194.2); short protein forms R11Q.
Identifiers: ClinVar variation 639293 (VCV000639293.26), dbSNP rs372992221, ClinGen allele CA027789.
Genomic context (GRCh38, chr16:2,047,792, plus strand): 5'-AGAGGCCCGGGCTCCTCCCTACACCCCCGCGGCCCAGCCCCGGGTCCCAGGCTCCGGCTC[C>T]GGGTCAGCATCCTCGCGCTCAAGGCGGTCATGCCGGACTCCTGCGGACTACACATCCCGG-3'
Protein context (NP_002519.2, residues 1-21): MTALSARMLT[Arg11Gln]SRSLGPGAGP

ClinVar aggregate classification (germline): Uncertain significance. Review status: criteria provided, multiple submitters, no conflicts (2 of 4 stars). 7 submissions from 7 submitters: Uncertain significance (7). Last evaluated 2026-01-21.

Conditions:
Familial adenomatous polyposis 3. Also called: NTHL1-associated polyposis; NTHL1-related attenuated familial adenomatous polyposis; NTHL1-Related Adenomatous Polyposis and Colorectal Cancer; NTHL1 Tumor Syndrome. Identifiers: Orphanet 220460, Orphanet 454840, MedGen C4225157, MONDO:0014630, OMIM 616415.
Hereditary cancer-predisposing syndrome. Also called: Neoplastic Syndromes, Hereditary; Hereditary Cancer Syndrome; Tumor predisposition; Hereditary neoplastic syndrome. Identifiers: Orphanet 140162, MedGen C0027672, MeSH D009386, MONDO:0015356.

Allele frequency attached by ClinVar (database versions not stated): gnomAD 0.00001; gnomAD exomes 0.00001; TOPMed 0.00001; ExAC 0.00008; ESP Exome Variant Server 0.00016.
gnomAD v4.1: 34 of 1,590,842 alleles (0.0021%); highest among the groups gnomAD compares: Non-Finnish European, 0.0024%; no homozygotes.

Submissions (7):

Labcorp Genetics (formerly Invitae), Labcorp
Classification: Uncertain significance. Last evaluated: 2026-01-21. Review status: criteria provided, single submitter. Criteria: Invitae Variant Classification Sherloc (09022015). Collection method: clinical testing. Allele origin: germline.
Comment: This sequence change replaces arginine, which is basic and polar, with glutamine, which is neutral and polar, at codon 19 of the NTHL1 protein (p.Arg19Gln). The frequency data for this variant in the population databases is considered unreliable, as metrics indicate poor data quality at this position in the gnomAD database. This variant has not been reported in the literature in individuals affected with NTHL1-related conditions. ClinVar contains an entry for this variant (Variation ID: 639293). An algorithm developed to predict the effect of missense changes on protein structure and function (PolyPhen-2) suggests that this variant is likely to be disruptive. Experimental studies have shown that this missense change does not substantially affect NTHL1 function (PMID: 30552997). In summary, the available evidence is currently insufficient to determine the role of this variant in disease. Therefore, it has been classified as a Variant of Uncertain Significance.

Ambry Genetics
Classification: Uncertain significance for Hereditary cancer-predisposing syndrome. Last evaluated: 2025-10-22. Review status: criteria provided, single submitter. Criteria: Ambry Variant Classification Scheme 2023. Collection method: clinical testing. Allele origin: germline.
Comment: The p.R19Q variant (also known as c.56G>A), located in coding exon 1 of the NTHL1 gene, results from a G to A substitution at nucleotide position 56. The arginine at codon 19 is replaced by glutamine, an amino acid with highly similar properties. One functional study showed that p.R19Q did not affect NTHL1 ability to repair 5-hydroxyuracil (Shinmura K et al. Free Radic Biol Med 2019 02;131:264-273). This amino acid position is not well conserved in available vertebrate species. In addition, this alteration is predicted to be tolerated by in silico analysis. Since supporting evidence is limited at this time, the clinical significance of this alteration remains unclear.

Baylor Genetics
Classification: Uncertain significance for Familial adenomatous polyposis 3. Last evaluated: 2024-03-11. Review status: criteria provided, single submitter. Criteria: ACMG Guidelines, 2015. Collection method: clinical testing. Allele origin: unknown.

Fulgent Genetics
Classification: Uncertain significance for Familial adenomatous polyposis 3. Last evaluated: 2024-02-29. Review status: criteria provided, single submitter. Criteria: ACMG Guidelines, 2015. Collection method: clinical testing. Allele origin: germline.

GeneDx
Classification: Uncertain significance. Last evaluated: 2022-01-20. Review status: criteria provided, single submitter. Criteria: GeneDx Variant Classification Process June 2021. Collection method: clinical testing. Allele origin: germline. Affected: yes.
Comment: Not observed at significant frequency in large population cohorts (gnomAD); In silico analysis, which includes protein predictors and evolutionary conservation, supports that this variant does not alter protein structure/function; Published functional studies demonstrate no damaging effect: DNA glycosylase activity comparable to wild type (Shinmura 2018); This variant is associated with the following publications: (PMID: 30552997)

Sema4
Classification: Uncertain significance for Hereditary cancer-predisposing syndrome. Last evaluated: 2021-11-29. Review status: criteria provided, single submitter. Criteria: Sema4 Curation Guidelines. Collection method: curation. Allele origin: germline.
Comment: To the best of our knowledge, the NTHL1 c.56G>A (p.R19Q) variant has not been reported in individuals with NTHL1-related disease. The DNA cleavage activity assay study demonstrated insignificant effect on protein function (PMID: 30552997). It was observed in 3/91668 chromosomes of the European (non-Finnish) subpopulation in the large and broad cohorts of the Genome Aggregation Database (PMID: 32461654). This variant has been reported in ClinVar (Variation ID 639293). In silico tools suggest the impact of the variant on protein function is benign. The evidence is insufficient to meet ACMG/AMP criteria for classifying the variant as benign or pathogenic. Thus, the clinical significance of this variant is currently uncertain.

Institute for Clinical Genetics, University Hospital TU Dresden, University Hospital TU Dresden
Classification: Uncertain significance. Last evaluated: 2021-11-03. Review status: criteria provided, single submitter. Criteria: ACMG Guidelines, 2015. Collection method: clinical testing. Allele origin: germline.

Literature cited by the submitters: PubMed 30552997 (cited by Labcorp Genetics (formerly Invitae), Labcorp and Sema4).